The following is an entry in ClinVar:

NM_024675.4(PALB2):c.1581T>C (p.Cys527=)

Gene: PALB2 (partner and localizer of BRCA2; minus strand). Cytogenetic location: 16p12.2.
Variant type: single nucleotide variant.
Coding change: c.1581T>C on transcript NM_024675.4 (MANE Select); coding-DNA position 1581, T replaced by C.
Protein change: p.Cys527=; no amino-acid change (cysteine 527 retained).
Molecular consequence: synonymous variant. On other transcripts: intron variant (3).
Genome position (GRCh38, 1-based): chr16:23,634,965, A>G on the plus strand (T>C on the coding strand, the complement: PALB2 is on the minus strand). VCF-style: chr16-23634965-A-G. GRCh37 (hg19) VCF-style: chr16-23646286-A-G.
Other names: c.1521T>C, p.Cys507= (NM_001407296.1); c.1581T>C, p.Cys527= (NM_001407297.1, NM_001407298.1, NM_001407299.1 and 3 more transcripts); c.696T>C, p.Cys232= (NM_001407304.1, NM_001407305.1, NM_001407306.1 and 5 more transcripts); c.49-5690T>C (NM_001407314.1); c.-104-4496T>C (NM_001407313.1, NM_001407312.1).
Identifiers: ClinVar variation 1691941 (VCV001691941.7), dbSNP rs2142411961, ClinGen allele CA494461266.
Genomic context (GRCh38, chr16:23,634,965, plus strand): 5'-GGTGACTTCTTCCTTGGACCTGTTAACAATCGACAGGCTAGAAGTTGGCAAAAGTGGTTC[A>G]CAATGATCTGATGCTGGGGTGCAGGCTGATTTTCTTTTTCCTGTGTATCTTCTACCAGGT-3'
Protein context (NP_078951.2, residues 517-537): KSACTPASDH[Cys527=]EPLLPTSSLS

ClinVar aggregate classification (germline): Benign/Likely benign. Review status: criteria provided, multiple submitters, no conflicts (2 of 4 stars). 3 submissions from 3 submitters: Benign (1); Likely benign (2). Last evaluated 2025-01-14.

Conditions:
Hereditary cancer-predisposing syndrome. Also called: Hereditary Cancer Syndrome; Hereditary neoplastic syndrome; Neoplastic Syndromes, Hereditary; Tumor predisposition. Identifiers: Orphanet 140162, MedGen C0027672, MeSH D009386, MONDO:0015356.
Familial cancer of breast. Also called: BREAST CANCER, FAMILIAL; Hereditary breast cancer; hereditary breast carcinoma. Identifiers: Orphanet 227535, MedGen C0346153, MONDO:0016419, OMIM 114480. Disease mechanism: loss of function.

Submissions (3):

Myriad Genetics, Inc.
Classification: Benign for Familial cancer of breast. Last evaluated: 2025-01-14. Review status: criteria provided, single submitter. Criteria: Myriad Autosomal Dominant, Autosomal Recessive and X-Linked Classification Criteria (2023). Collection method: clinical testing. Allele origin: unknown.
Comment: This variant is considered benign. This variant is a silent/synonymous amino acid change and it is not expected to impact splicing.

Labcorp Genetics (formerly Invitae), Labcorp
Classification: Likely benign for Familial cancer of breast. Last evaluated: 2024-01-26. Review status: criteria provided, single submitter. Criteria: Invitae Variant Classification Sherloc (09022015). Collection method: clinical testing. Allele origin: germline.

Sema4
Classification: Likely benign for Hereditary cancer-predisposing syndrome. Last evaluated: 2021-06-04. Review status: criteria provided, single submitter. Criteria: Sema4 Curation Guidelines. Collection method: curation. Allele origin: germline.